The following is an entry in ClinVar:

ClinVar aggregate classification (germline): Uncertain significance (1 of 4 stars; one submission).

Submission:

GeneDx
Classification: Uncertain significance. Last evaluated: 2022-06-28. Review status: criteria provided, single submitter. Criteria: GeneDx Variant Classification Process June 2021. Collection method: clinical testing. Allele origin: germline. Affected: yes.
Comment: Not observed at significant frequency in large population cohorts (gnomAD); In silico analysis supports that this missense variant does not alter protein structure/function; Has not been previously published as pathogenic or benign to our knowledge

NM_198904.4(GABRG2):c.1222A>G (p.Arg408Gly)

Gene: GABRG2 (gamma-aminobutyric acid type A receptor subunit gamma2; plus strand). Cytogenetic location: 5q34.
Variant type: single nucleotide variant.
Coding change: c.1222A>G on transcript NM_198904.4 (MANE Select); coding-DNA position 1222, A replaced by G.
Protein change: p.Arg408Gly; replaces arginine 408 with glycine.
Molecular consequence: missense variant. On other transcripts: 3 prime UTR variant (1).
Genome position (GRCh38, 1-based): chr5:162,153,162, A>G. VCF-style: chr5-162153162-A-G. GRCh37 (hg19) VCF-style: chr5-161580168-A-G.
Other names: c.1198A>G, p.Arg400Gly (NM_000816.3); c.1213A>G, p.Arg405Gly (NM_001375339.1); c.*56A>G (NM_001375340.1); c.1219A>G, p.Arg407Gly (NM_001375341.1); c.1195A>G, p.Arg399Gly (NM_001375342.1); c.1318A>G, p.Arg440Gly (NM_001375343.1); c.1261A>G, p.Arg421Gly (NM_001375344.1); c.1132A>G, p.Arg378Gly (NM_001375345.1); and 6 more; short protein forms R260G, R268G, R305G, R378G, R379G, R386G, R399G, R400G.
Identifiers: ClinVar variation 1810139 (VCV001810139.1), dbSNP rs2532774870, ClinGen allele CA362183412.